The following is an entry in ClinVar:

ClinVar aggregate classification (germline): Uncertain significance (1 of 4 stars; one submission).

gnomAD v4.1: 1 of 1,614,048 alleles (0.000062%); no homozygotes.

Submission:

Ambry Genetics
Classification: Uncertain significance. Last evaluated: 2025-11-25. Review status: criteria provided, single submitter. Criteria: Ambry Variant Classification Scheme 2023. Collection method: clinical testing. Allele origin: germline.
Comment: The p.M906I variant (also known as c.2718G>A), located in coding exon 1 of the TET2 gene, results from a G to A substitution at nucleotide position 2718. The methionine at codon 906 is replaced by isoleucine, an amino acid with highly similar properties. This amino acid position is conserved. In addition, this alteration is predicted to be tolerated by in silico analysis. Based on the available evidence, the clinical significance of this variant remains unclear.

NM_001127208.3(TET2):c.2718G>A (p.Met906Ile)

Genes: TET2 (tet methylcytosine dioxygenase 2; plus strand), TET2-AS1 (TET2 antisense RNA 1; minus strand). Cytogenetic location: 4q24.
Variant type: single nucleotide variant.
Coding change: c.2718G>A on transcript NM_001127208.3 (MANE Select); coding-DNA position 2718, G replaced by A.
Protein change: p.Met906Ile; replaces methionine 906 with isoleucine.
Molecular consequence: missense variant.
Genome position (GRCh38, 1-based): chr4:105,236,660, G>A. VCF-style: chr4-105236660-G-A. GRCh37 (hg19) VCF-style: chr4-106157817-G-A.
Other names: c.2718G>A, p.Met906Ile (NM_017628.4); short protein forms M906I.
Identifiers: ClinVar variation 4594219 (VCV004594219.1).